The following is an entry in ClinVar:

NM_000262.3(NAGA):c.592C>T (p.Pro198Ser)

Genes: NAGA (alpha-N-acetylgalactosaminidase; minus strand), LOC126863160 (CDK7 strongly-dependent group 2 enhancer GRCh37_chr22:42462918-42464117; plus strand). Cytogenetic location: 22q13.2.
Variant type: single nucleotide variant.
Coding change: c.592C>T on transcript NM_000262.3 (MANE Select); coding-DNA position 592, C replaced by T.
Protein change: p.Pro198Ser; replaces proline 198 with serine.
Molecular consequence: missense variant.
Genome position (GRCh38, 1-based): chr22:42,066,715, G>A on the plus strand (C>T on the coding strand, the complement: NAGA is on the minus strand). VCF-style: chr22-42066715-G-A. GRCh37 (hg19) VCF-style: chr22-42462719-G-A.
Other names: p.Pro198Ser; c.592C>T, p.Pro198Ser (NM_001362848.1, NM_001362850.1); short protein forms P198S.
Identifiers: ClinVar variation 1693777 (VCV001693777.7), dbSNP rs139027070, ClinGen allele CA10263765.

ClinVar aggregate classification (germline): Uncertain significance. Review status: criteria provided, multiple submitters, no conflicts (2 of 4 stars). 2 submissions from 2 submitters: Uncertain significance (2). Last evaluated 2022-07-24.

Conditions:
Alpha-N-acetylgalactosaminidase deficiency type 1. Also called: SCHINDLER DISEASE, TYPE I; NAGA DEFICIENCY, TYPE I; NEUROAXONAL DYSTROPHY, SCHINDLER TYPE; ALPHA-N-ACETYLGALACTOSAMINIDASE DEFICIENCY, TYPE I. Identifiers: Orphanet 3137, Orphanet 79279, Orphanet 79281, MedGen C1836544, MONDO:0012221, OMIM 609241.

Submissions (2):

Labcorp Genetics (formerly Invitae), Labcorp
Classification: Uncertain significance for Alpha-N-acetylgalactosaminidase deficiency type 1. Last evaluated: 2022-07-24. Review status: criteria provided, single submitter. Criteria: Invitae Variant Classification Sherloc (09022015). Collection method: clinical testing. Allele origin: germline.
Comment: This sequence change replaces proline, which is neutral and non-polar, with serine, which is neutral and polar, at codon 198 of the NAGA protein (p.Pro198Ser). The frequency data for this variant in the population databases is considered unreliable, as metrics indicate poor data quality at this position in the gnomAD database. This variant has not been reported in the literature in individuals affected with NAGA-related conditions. ClinVar contains an entry for this variant (Variation ID: 1693777). Algorithms developed to predict the effect of missense changes on protein structure and function (SIFT, PolyPhen-2, Align-GVGD) all suggest that this variant is likely to be tolerated. In summary, the available evidence is currently insufficient to determine the role of this variant in disease. Therefore, it has been classified as a Variant of Uncertain Significance.

Mayo Clinic Laboratories, Mayo Clinic
Classification: Uncertain significance. Last evaluated: 2022-02-04. Review status: criteria provided, single submitter. Criteria: ACMG Guidelines, 2015. Collection method: clinical testing. Allele origin: germline. Observed: 2 variant alleles.